The following is an entry in ClinVar:

NM_003628.6(PKP4):c.2629C>T (p.Leu877Phe)

Genes: PKP4 (plakophilin 4; plus strand), PKP4-AS1 (PKP4 antisense RNA 1; minus strand). Cytogenetic location: 2q24.1.
Variant type: single nucleotide variant.
Coding change: c.2629C>T on transcript NM_003628.6 (MANE Select); coding-DNA position 2629, C replaced by T.
Protein change: p.Leu877Phe; replaces leucine 877 with phenylalanine.
Molecular consequence: missense variant.
Genome position (GRCh38, 1-based): chr2:158,666,464, C>T. VCF-style: chr2-158666464-C-T. GRCh37 (hg19) VCF-style: chr2-159522976-C-T.
Other names: c.2629C>T, p.Leu877Phe (NM_001005476.4, NM_001304971.2, NM_001377218.1 and 1 more transcripts); c.2626C>T, p.Leu876Phe (NM_001304969.3, NM_001377219.1, NM_001377220.1 and 2 more transcripts); c.1600C>T, p.Leu534Phe (NM_001304970.3); c.2623C>T, p.Leu875Phe (NM_001377222.1, NM_001377223.1); c.2620C>T, p.Leu874Phe (NM_001377224.1); short protein forms L534F, L876F, L874F, L875F, L877F.
Identifiers: ClinVar variation 1794020 (VCV001794020.2), dbSNP rs1558982672, ClinGen allele CA348904163.
Genomic context (GRCh38, chr2:158,666,464, plus strand): 5'-TCTCACTAGTTTGCAGCATATATCCGGGCGGCCGTCCGAAAAGAAAAGGGGCTCCCCATC[C>T]TTGTGGAGCTTCTGAGAATGGATAACGATAGAGTTGTTTCTTCCGTGGCAACAGCCTTGA-3'
Protein context (NP_003619.2, residues 867-887): AVRKEKGLPI[Leu877Phe]VELLRMDNDR

ClinVar aggregate classification (germline): Uncertain significance (1 of 4 stars; one submission).

Allele frequency attached by ClinVar (database versions not stated): gnomAD exomes below 0.00001.
gnomAD v4.1: 2 of 1,612,520 alleles (0.00012%); highest among the groups gnomAD compares: East Asian, 0.0022%; no homozygotes.

Submission:

Ambry Genetics
Classification: Uncertain significance. Last evaluated: 2022-03-25. Review status: criteria provided, single submitter. Criteria: Ambry Variant Classification Scheme 2023. Collection method: clinical testing. Allele origin: germline.
Comment: The p.L877F variant (also known as c.2629C>T), located in coding exon 15 of the PKP4 gene, results from a C to T substitution at nucleotide position 2629. The leucine at codon 877 is replaced by phenylalanine, an amino acid with highly similar properties. This amino acid position is conserved. In addition, this alteration is predicted to be deleterious by in silico analysis. Since supporting evidence is limited at this time, the clinical significance of this alteration remains unclear.